The following is an entry in ClinVar:

NM_001110556.2(FLNA):c.2893G>C (p.Val965Leu)

Gene: FLNA (filamin A; minus strand). Cytogenetic location: Xq28.
Variant type: single nucleotide variant.
Coding change: c.2893G>C on transcript NM_001110556.2 (MANE Select); coding-DNA position 2893, G replaced by C.
Protein change: p.Val965Leu; replaces valine 965 with leucine.
Molecular consequence: missense variant.
Genome position (GRCh38, 1-based): chrX:154,361,721, C>G on the plus strand (G>C on the coding strand, the complement: FLNA is on the minus strand). VCF-style: chrX-154361721-C-G. GRCh37 (hg19) VCF-style: chrX-153590089-C-G.
Other names: c.2893G>C, p.Val965Leu (NM_001456.4); short protein forms V965L.
Identifiers: ClinVar variation 4824700 (VCV004824700.1).

ClinVar aggregate classification (germline): Uncertain significance (1 of 4 stars; one submission).

Conditions:
Familial thoracic aortic aneurysm and aortic dissection (TAAD). Also called: Thoracic aortic aneurysms and dissections. Identifiers: Orphanet 91387, MedGen C4707243, MONDO:0019625.

Submission:

Ambry Genetics
Classification: Uncertain significance for Familial thoracic aortic aneurysm and aortic dissection. Last evaluated: 2025-12-16. Review status: criteria provided, single submitter. Criteria: Ambry Variant Classification Scheme 2023. Collection method: clinical testing. Allele origin: germline.
Comment: The p.V965L variant (also known as c.2893G>C), located in coding exon 19 of the FLNA gene, results from a G to C substitution at nucleotide position 2893. The valine at codon 965 is replaced by leucine, an amino acid with highly similar properties. This amino acid position is conserved. In addition, this alteration is predicted to be deleterious by in silico analysis. Based on the available evidence, the clinical significance of this variant remains unclear.